The following is an entry in ClinVar:

ClinVar aggregate classification (germline): Uncertain significance (1 of 4 stars; one submission).

Conditions:
Tuberous sclerosis 2 (TSC2). Identifiers: Orphanet 805, MedGen C1860707, MONDO:0013199, OMIM 613254.

Submission:

Labcorp Genetics (formerly Invitae), Labcorp
Classification: Uncertain significance for Tuberous sclerosis 2. Last evaluated: 2021-04-09. Review status: criteria provided, single submitter. Criteria: Invitae Variant Classification Sherloc (09022015). Collection method: clinical testing. Allele origin: germline.
Comment: In summary, the available evidence is currently insufficient to determine the role of this variant in disease. Therefore, it has been classified as a Variant of Uncertain Significance. Experimental studies and prediction algorithms are not available or were not evaluated, and the functional significance of this variant is currently unknown. This variant has not been reported in the literature in individuals with TSC2-related conditions. This variant is not present in population databases (ExAC no frequency). This variant, c.5403_5405del, results in the deletion of 1 amino acid(s) of the TSC2 protein (p.Glu1801del), but otherwise preserves the integrity of the reading frame.

NM_000548.5(TSC2):c.5400GGA[1] (p.Glu1801del)

Gene: TSC2 (TSC complex subunit 2; plus strand). Cytogenetic location: 16p13.3.
Variant type: Microsatellite.
Coding change: c.5400GGA[1] on transcript NM_000548.5 (MANE Select); one copy of the 3-base unit GGA starting at c.5400; the reference has two copies in a row; one copy, 3 bases deleted.
Protein change: p.Glu1801del; deletes glutamic acid 1801.
Molecular consequence: inframe deletion.
Genome position (GRCh38, 1-based): chr16:2,088,589-2,088,591, GGA deleted; deleting any 3 consecutive bases within chr16:2,088,586-2,088,591 gives the same sequence; the position shown is the placement nearest the transcript's 3' end. VCF-style (leftmost placement, unchanged base first): chr16-2088585-TGGA-T. GRCh37 (hg19) VCF-style: chr16-2138586-TGGA-T.
Other names: c.5199GGA[1], p.Glu1734del (NM_001077183.3); c.5331GGA[1], p.Glu1778del (NM_001114382.3); c.5091GGA[1], p.Glu1698del (NM_001318827.2); c.5055GGA[1], p.Glu1686del (NM_001318829.2); c.4668GGA[1], p.Glu1557del (NM_001318831.2); c.5232GGA[1], p.Glu1745del (NM_001318832.2); c.5202GGA[1], p.Glu1735del (NM_001363528.2); c.5268GGA[1], p.Glu1757del (NM_001370404.1); and 2 more; short protein forms E1734del, E1754del, E1757del, E1778del, E1698del, E1735del, E1758del, E1557del.
Identifiers: ClinVar variation 1462948 (VCV001462948.8), dbSNP rs2151642912, ClinGen allele CA2580612730.